The following is an entry in ClinVar:

NM_001953.5(TYMP):c.1439C>G (p.Pro480Arg)

Genes: SCO2 (synthesis of cytochrome C oxidase 2; minus strand), TYMP (thymidine phosphorylase; minus strand), LOC130067862 (ATAC-STARR-seq lymphoblastoid silent region 13986; plus strand). Cytogenetic location: 22q13.33.
Variant type: single nucleotide variant.
Coding change: c.1439C>G on transcript NM_001953.5 (MANE Select); coding-DNA position 1439, C replaced by G.
Protein change: p.Pro480Arg; replaces proline 480 with arginine.
Molecular consequence: missense variant. On other transcripts: intron variant (2).
Genome position (GRCh38, 1-based): chr22:50,525,780, G>C on the plus strand (C>G on the coding strand, the complement: TYMP is on the minus strand). VCF-style: chr22-50525780-G-C. GRCh37 (hg19) VCF-style: chr22-50964209-G-C.
Other names: c.1439C>G, p.Pro480Arg (NM_001113756.3, NM_001257988.1, NM_001113755.3); c.1454C>G, p.Pro485Arg (NM_001257989.1); c.-14+466C>G (NM_001169109.2); c.-14+221C>G (NM_001169110.1); short protein forms P480R, P485R.
Identifiers: ClinVar variation 215345 (VCV000215345.5), dbSNP rs863224256, ClinGen allele CA322998.

ClinVar aggregate classification (germline): Uncertain significance. Review status: criteria provided, single submitter (1 of 4 stars). 2 submissions from 2 submitters: Uncertain significance (1). 1 of the submissions does not count toward it. Last evaluated 2014-05-12.

Conditions:
Mitochondrial neurogastrointestinal encephalomyopathy. Also called: Mitochondrial neurogastrointestinal encephalopathy syndrome; MNGIE syndrome; Thymidine phosphorylase deficiency. Identifiers: Orphanet 298, MedGen C0872218, MONDO:0017575.

gnomAD v4.1: 7 of 1,610,824 alleles (0.00043%); highest among the groups gnomAD compares: Non-Finnish European, 0.00059%; no homozygotes.

Submissions (2):

GeneDx
Classification: Uncertain significance. Last evaluated: 2014-05-12. Review status: criteria provided, single submitter. Criteria: GeneDx Variant Classification (06012015). Collection method: clinical testing. Allele origin: germline. Affected: yes.
Comment: The P480R variant has not been published as a mutation, nor has it been reported as a benign polymorphism to our knowledge. Mutations in the TYMP gene are associated with the autosomal recessive disorder mitochondrial DNA depletion syndrome 1 (MNGIE Type). The P480R variant is a non-conservative amino acid substitution, which is likely to impact secondary protein structure as these residues differ in polarity, charge, size and/or other properties. This substitution occurs at a position that is conserved across species. In silico analysis predicts this variant likely does not alter the protein structure/function. Therefore, based on the currently available information, it is unclear whether this variant is a pathogenic mutation or a rare benign variant. The variant is found in MITONUC-MITOP panel(s).

Natera, Inc.
Classification: Uncertain significance for Mitochondrial neurogastrointestinal encephalomyopathy. Last evaluated: 2020-09-16. Review status: no assertion criteria provided. Collection method: clinical testing. Allele origin: germline. Not counted in ClinVar's aggregate classification.